The following is an entry in ClinVar:

ClinVar aggregate classification (germline): Uncertain significance. Review status: criteria provided, multiple submitters, no conflicts (2 of 4 stars). 2 submissions from 2 submitters: Uncertain significance (2). Last evaluated 2025-12-01.

Conditions:
Arrhythmogenic right ventricular dysplasia 13. Also called: ARRHYTHMOGENIC RIGHT VENTRICULAR CARDIOMYOPATHY 13; Arrhythmogenic right ventricular dysplasia, familial, 13. Identifiers: MedGen C3810138, MONDO:0000908, OMIM 615616.

Allele frequency attached by ClinVar (database versions not stated): gnomAD exomes 0.00001; ExAC 0.00002; TOPMed 0.00006; ESP Exome Variant Server 0.00008; gnomAD 0.00008 and 0.00009.

Submissions (2):

Labcorp Genetics (formerly Invitae), Labcorp
Classification: Uncertain significance for Arrhythmogenic right ventricular dysplasia 13. Last evaluated: 2025-12-01. Review status: criteria provided, single submitter. Criteria: Invitae Variant Classification Sherloc (09022015). Collection method: clinical testing. Allele origin: germline.
Comment: This sequence change replaces histidine, which is basic and polar, with tyrosine, which is neutral and polar, at codon 150 of the CTNNA3 protein (p.His150Tyr). This variant is present in population databases (rs368622093, gnomAD 0.03%). This variant has not been reported in the literature in individuals affected with CTNNA3-related conditions. ClinVar contains an entry for this variant (Variation ID: 1358984). Invitae Evidence Modeling of protein sequence and biophysical properties (such as structural, functional, and spatial information, amino acid conservation, physicochemical variation, residue mobility, and thermodynamic stability) has been performed for this missense variant. However, the output from this modeling did not meet the statistical confidence thresholds required to predict the impact of this variant on CTNNA3 protein function. In summary, the available evidence is currently insufficient to determine the role of this variant in disease. Therefore, it has been classified as a Variant of Uncertain Significance.

Ambry Genetics
Classification: Uncertain significance. Last evaluated: 2025-03-23. Review status: criteria provided, single submitter. Criteria: Ambry Variant Classification Scheme 2023. Collection method: clinical testing. Allele origin: germline.
Comment: The p.H150Y variant (also known as c.448C>T), located in coding exon 3 of the CTNNA3 gene, results from a C to T substitution at nucleotide position 448. The histidine at codon 150 is replaced by tyrosine, an amino acid with similar properties. This amino acid position is conserved. In addition, this alteration is predicted to be tolerated by in silico analysis. Since supporting evidence is limited at this time, the clinical significance of this alteration remains unclear.

NM_013266.4(CTNNA3):c.448C>T (p.His150Tyr)

Gene: CTNNA3 (catenin alpha 3; minus strand). Cytogenetic location: 10q21.3.
Variant type: single nucleotide variant.
Coding change: c.448C>T on transcript NM_013266.4 (MANE Select); coding-DNA position 448, C replaced by T.
Protein change: p.His150Tyr; replaces histidine 150 with tyrosine.
Molecular consequence: missense variant.
Genome position (GRCh38, 1-based): chr10:67,539,514, G>A on the plus strand (C>T on the coding strand, the complement: CTNNA3 is on the minus strand). VCF-style: chr10-67539514-G-A. GRCh37 (hg19) VCF-style: chr10-69299272-G-A.
Other names: c.448C>T, p.His150Tyr (NM_001127384.3); c.484C>T, p.His162Tyr (NM_001291133.2); c.448C>T (NM_013266.2); short protein forms H162Y, H150Y.
Identifiers: ClinVar variation 1358984 (VCV001358984.11), dbSNP rs368622093, ClinGen allele CA5520620.
Genomic context (GRCh38, chr10:67,539,514, plus strand): 5'-ATTAGAAGTGAAGACAATGCCAAGGTAAACTAAGCCATCTTTTACTTACAGCTGACACAT[G>A]TTGCAAGAGGCACATGACATCAATCATGTCCGCAAGGATAAGGAGTCTCGTCACCGCAGC-3'
Protein context (NP_037398.2, residues 140-160): DMIDVMCLLQ[His150Tyr]VSAFQRTFES